The following is an entry in ClinVar:

NM_080632.3(UPF3B):c.764G>A (p.Arg255Lys)

Gene: UPF3B (UPF3B regulator of nonsense mediated mRNA decay; minus strand). Cytogenetic location: Xq24.
Variant type: single nucleotide variant.
Coding change: c.764G>A on transcript NM_080632.3 (MANE Select); coding-DNA position 764, G replaced by A.
Protein change: p.Arg255Lys; replaces arginine 255 with lysine.
Molecular consequence: missense variant.
Genome position (GRCh38, 1-based): chrX:119,841,119, C>T on the plus strand (G>A on the coding strand, the complement: UPF3B is on the minus strand). VCF-style: chrX-119841119-C-T. GRCh37 (hg19) VCF-style: chrX-118975082-C-T.
Other names: c.764G>A, p.Arg255Lys (NM_023010.4); short protein forms R255K.
Identifiers: ClinVar variation 536851 (VCV000536851.16), dbSNP rs142862074, ClinGen allele CA10503270.

ClinVar aggregate classification (germline): Benign. Review status: criteria provided, multiple submitters, no conflicts (2 of 4 stars). 4 submissions from 4 submitters: Benign (3). 1 of the submissions does not count toward it. Last evaluated 2026-01-03.

Conditions:
Inborn genetic diseases. Identifiers: MedGen C0950123, MeSH D030342.
Intellectual developmental disorder, X-linked, syndromic 14. Also called: Syndromic X-linked intellectual disability 14. Identifiers: Orphanet 776, MedGen C1970822, MONDO:0010398, OMIM 300676.
UPF3B-related disorder. Also called: UPF3B-related condition.

Allele frequency attached by ClinVar (database versions not stated): gnomAD exomes 0.00020 and 0.00058; gnomAD 0.00211 and 0.00200; TOPMed 0.00211; ESP Exome Variant Server 0.00303; 1000 Genomes Project 30x 0.00333; 1000 Genomes Project 0.00265; ExAC 0.00082.
gnomAD v4.1: 456 of 1,205,647 alleles (0.038%); highest among the groups gnomAD compares: African/African-American, 0.72%; 3 homozygotes.

Submissions (4):

Labcorp Genetics (formerly Invitae), Labcorp
Classification: Benign for Intellectual developmental disorder, X-linked, syndromic 14. Last evaluated: 2026-01-03. Review status: criteria provided, single submitter. Criteria: Invitae Variant Classification Sherloc (09022015). Collection method: clinical testing. Allele origin: germline.

Ambry Genetics
Classification: Benign for Inborn genetic diseases. Last evaluated: 2017-05-25. Review status: criteria provided, single submitter. Criteria: Ambry Variant Classification Scheme 2023. Collection method: clinical testing. Allele origin: germline.

Breakthrough Genomics
Classification: Benign. Review status: criteria provided, single submitter. Criteria: ACMG Guidelines, 2015. Collection method: not provided. Allele origin: germline. Inheritance: X-linked inheritance. Affected: yes.

PreventionGenetics, part of Exact Sciences
Classification: Benign for UPF3B-related condition. Last evaluated: 2019-09-06. Review status: no assertion criteria provided. Collection method: clinical testing. Allele origin: germline. Not counted in ClinVar's aggregate classification.
Comment: This variant is classified as benign based on ACMG/AMP sequence variant interpretation guidelines (Richards et al. 2015 PMID: 25741868, with internal and published modifications).